The following is an entry in ClinVar:

NM_001142864.4(PIEZO1):c.402C>T (p.Val134=)

Gene: PIEZO1 (piezo type mechanosensitive ion channel component 1 (Er blood group); minus strand). Cytogenetic location: 16q24.3.
Variant type: single nucleotide variant.
Coding change: c.402C>T on transcript NM_001142864.4 (MANE Select); coding-DNA position 402, C replaced by T.
Protein change: p.Val134=; no amino-acid change (valine 134 retained).
Molecular consequence: synonymous variant.
Genome position (GRCh38, 1-based): chr16:88,741,541, G>A on the plus strand (C>T on the coding strand, the complement: PIEZO1 is on the minus strand). VCF-style: chr16-88741541-G-A. GRCh37 (hg19) VCF-style: chr16-88807949-G-A.
Identifiers: ClinVar variation 2647007 (VCV002647007.24), dbSNP rs2507935540, ClinGen allele CA497110570.

ClinVar aggregate classification (germline): Likely benign (1 of 4 stars; one submission).

Submission:

CeGaT Center for Human Genetics Tuebingen
Classification: Likely benign. Last evaluated: 2023-01-01. Review status: criteria provided, single submitter. Criteria: CeGaT Center For Human Genetics Tuebingen Variant Classification Criteria Version 2. Collection method: clinical testing. Allele origin: germline. Affected: yes. Observed: 1 variant allele.
Comment: PIEZO1: PM2:Supporting, BP4, BP7